The following is an entry in ClinVar:

ClinVar aggregate classification (germline): Uncertain significance. Review status: criteria provided, multiple submitters, no conflicts (2 of 4 stars). 3 submissions from 3 submitters: Uncertain significance (3). Last evaluated 2025-07-29.

Conditions:
Neurofibromatosis, type 1 (NF1). Also called: NEUROFIBROMATOSIS, TYPE I, SOMATIC; VON RECKLINGHAUSEN DISEASE; Neurofibromatosis, type I; Peripheral type neurofibromatosis. Identifiers: Orphanet 636, MedGen C0027831, MONDO:0018975, OMIM 162200. Disease mechanism: loss of function.
Hereditary cancer-predisposing syndrome. Also called: Neoplastic Syndromes, Hereditary; Hereditary Cancer Syndrome; Hereditary neoplastic syndrome; Tumor predisposition. Identifiers: Orphanet 140162, MedGen C0027672, MeSH D009386, MONDO:0015356.
Cardiovascular phenotype. Identifiers: MedGen CN230736.

Submissions (3):

Labcorp Genetics (formerly Invitae), Labcorp
Classification: Uncertain significance for Neurofibromatosis, type 1. Last evaluated: 2025-07-29. Review status: criteria provided, single submitter. Criteria: Invitae Variant Classification Sherloc (09022015). Collection method: clinical testing. Allele origin: germline.
Comment: This sequence change replaces aspartic acid, which is acidic and polar, with glutamic acid, which is acidic and polar, at codon 919 of the NF1 protein (p.Asp919Glu). This variant is not present in population databases (gnomAD no frequency). This variant has not been reported in the literature in individuals affected with NF1-related conditions. ClinVar contains an entry for this variant (Variation ID: 643555). Invitae Evidence Modeling of protein sequence and biophysical properties (such as structural, functional, and spatial information, amino acid conservation, physicochemical variation, residue mobility, and thermodynamic stability) indicates that this missense variant is not expected to disrupt NF1 protein function with a negative predictive value of 95%. In summary, the available evidence is currently insufficient to determine the role of this variant in disease. Therefore, it has been classified as a Variant of Uncertain Significance.

Genome-Nilou Lab
Classification: Uncertain significance for Neurofibromatosis, type 1. Last evaluated: 2022-03-15. Review status: criteria provided, single submitter. Criteria: ACMG Guidelines, 2015. Collection method: clinical testing. Allele origin: germline. Affected: no.

Ambry Genetics
Classification: Uncertain significance for Cardiovascular phenotype; Hereditary cancer-predisposing syndrome. Last evaluated: 2018-01-29. Review status: criteria provided, single submitter. Criteria: Ambry Variant Classification Scheme 2023. Collection method: clinical testing. Allele origin: germline.
Comment: The p.D919E variant (also known as c.2757T>A), located in coding exon 21 of the NF1 gene, results from a T to A substitution at nucleotide position 2757. The aspartic acid at codon 919 is replaced by glutamic acid, an amino acid with highly similar properties. This amino acid position is highly conserved in available vertebrate species. In addition, the in silico prediction for this alteration is inconclusive. Since supporting evidence is limited at this time, the clinical significance of this alteration remains unclear.

NM_001042492.3(NF1):c.2757T>A (p.Asp919Glu)

Gene: NF1 (neurofibromin 1; plus strand). Cytogenetic location: 17q11.2.
Variant type: single nucleotide variant.
Coding change: c.2757T>A on transcript NM_001042492.3 (MANE Select); coding-DNA position 2757, T replaced by A.
Protein change: p.Asp919Glu; replaces aspartic acid 919 with glutamic acid.
Molecular consequence: missense variant.
Genome position (GRCh38, 1-based): chr17:31,229,372, T>A. VCF-style: chr17-31229372-T-A. GRCh37 (hg19) VCF-style: chr17-29556390-T-A.
Other names: c.2757T>A, p.Asp919Glu (NM_000267.4); short protein forms D919E.
Identifiers: ClinVar variation 643555 (VCV000643555.11), dbSNP rs1131691110, ClinGen allele CA398985411.